The following is an entry in ClinVar:

ClinVar aggregate classification (germline): Uncertain significance (1 of 4 stars; one submission).

Conditions:
Peroxisome biogenesis disorder, complementation group 7 (CG7). Also called: Peroxisome biogenesis disorder, complementation group B. Identifiers: MedGen C1864399.

Allele frequency attached by ClinVar (database versions not stated): TOPMed 0.00002.

Submission:

Labcorp Genetics (formerly Invitae), Labcorp
Classification: Uncertain significance for Peroxisome biogenesis disorder, complementation group 7. Last evaluated: 2022-06-26. Review status: criteria provided, single submitter. Criteria: Invitae Variant Classification Sherloc (09022015). Collection method: clinical testing. Allele origin: germline.
Comment: This sequence change replaces alanine, which is neutral and non-polar, with valine, which is neutral and non-polar, at codon 5 of the PEX10 protein (p.Ala5Val). This variant is not present in population databases (gnomAD no frequency). This variant has not been reported in the literature in individuals affected with PEX10-related conditions. Algorithms developed to predict the effect of missense changes on protein structure and function (SIFT, PolyPhen-2, Align-GVGD) all suggest that this variant is likely to be tolerated. In summary, the available evidence is currently insufficient to determine the role of this variant in disease. Therefore, it has been classified as a Variant of Uncertain Significance.

NM_002617.4(PEX10):c.14C>T (p.Ala5Val)

Gene: PEX10 (peroxisomal biogenesis factor 10; minus strand). Cytogenetic location: 1p36.32.
Variant type: single nucleotide variant.
Coding change: c.14C>T on transcript NM_002617.4 (MANE Select); coding-DNA position 14, C replaced by T.
Protein change: p.Ala5Val; replaces alanine 5 with valine.
Molecular consequence: missense variant. On other transcripts: intron variant (2).
Genome position (GRCh38, 1-based): chr1:2,412,489, G>A on the plus strand (C>T on the coding strand, the complement: PEX10 is on the minus strand). VCF-style: chr1-2412489-G-A. GRCh37 (hg19) VCF-style: chr1-2343928-G-A.
Other names: c.14C>T, p.Ala5Val (NM_001374425.1, NM_153818.2); c.-321+1108C>T (NM_001374427.1, NM_001374426.1); short protein forms A5V.
Identifiers: ClinVar variation 2155699 (VCV002155699.1), dbSNP rs1453707942, ClinGen allele CA337990750.